The following is an entry in ClinVar:

NM_000111.3(SLC26A3):c.1750C>T (p.Gln584Ter)

Gene: SLC26A3 (solute carrier family 26 member 3; minus strand). Cytogenetic location: 7q22.3.
Variant type: single nucleotide variant.
Coding change: c.1750C>T on transcript NM_000111.3 (MANE Select); coding-DNA position 1750, C replaced by T.
Protein change: p.Gln584Ter; replaces glutamine 584 with a stop codon.
Molecular consequence: nonsense.
Genome position (GRCh38, 1-based): chr7:107,774,800, G>A on the plus strand (C>T on the coding strand, the complement: SLC26A3 is on the minus strand). VCF-style: chr7-107774800-G-A. GRCh37 (hg19) VCF-style: chr7-107415245-G-A.
Other names: short protein forms Q584*.
Identifiers: ClinVar variation 2786763 (VCV002786763.5), dbSNP rs1489629664, ClinGen allele CA368850527.

ClinVar aggregate classification (germline): Pathogenic/Likely pathogenic. Review status: criteria provided, multiple submitters, no conflicts (2 of 4 stars). 2 submissions from 2 submitters: Pathogenic (1); Likely pathogenic (1). Last evaluated 2025-07-29.

Submissions (2):

Dasa
Classification: Likely pathogenic. Last evaluated: 2025-07-29. Review status: criteria provided, single submitter. Criteria: DASA Assertion Criteria. Collection method: clinical testing. Allele origin: germline.
Comment: NM_000111.3(SLC26A3):c.1750C>T (p.Gln584*) is a nonsense variant in SLC26A3 predicted to introduce a premature termination codon and is predicted to result in an absent or altered protein product. Loss of function is an established disease mechanism for SLC26A3-associated disorders. Also, this variant is absent from population databases. Based on the currently available evidence, this variant is classified as likely pathogenic.

Labcorp Genetics (formerly Invitae), Labcorp
Classification: Pathogenic. Last evaluated: 2023-08-14. Review status: criteria provided, single submitter. Criteria: Invitae Variant Classification Sherloc (09022015). Collection method: clinical testing. Allele origin: germline.
Comment: For these reasons, this variant has been classified as Pathogenic. This variant has not been reported in the literature in individuals affected with SLC26A3-related conditions. This variant is not present in population databases (gnomAD no frequency). This sequence change creates a premature translational stop signal (p.Gln584*) in the SLC26A3 gene. It is expected to result in an absent or disrupted protein product. Loss-of-function variants in SLC26A3 are known to be pathogenic (PMID: 9718329, 21394828).

Literature cited by the submitters: PubMed 9718329 (cited by Labcorp Genetics (formerly Invitae), Labcorp); PubMed 21394828 (cited by Labcorp Genetics (formerly Invitae), Labcorp).